The following is an entry in ClinVar:

NM_000052.7(ATP7A):c.2095A>G (p.Met699Val)

Gene: ATP7A (ATPase copper transporting alpha; plus strand). Cytogenetic location: Xq21.1.
Variant type: single nucleotide variant.
Coding change: c.2095A>G on transcript NM_000052.7 (MANE Select); coding-DNA position 2095, A replaced by G.
Protein change: p.Met699Val; replaces methionine 699 with valine.
Molecular consequence: missense variant.
Genome position (GRCh38, 1-based): chrX:78,011,597, A>G. VCF-style: chrX-78011597-A-G. GRCh37 (hg19) VCF-style: chrX-77267094-A-G.
Other names: c.2095A>G, p.Met699Val (NM_001282224.2); short protein forms M699V.
Identifiers: ClinVar variation 4538548 (VCV004538548.1).

ClinVar aggregate classification (germline): Likely pathogenic (1 of 4 stars; one submission).

Conditions:
Menkes kinky-hair syndrome (MNK). Also called: Copper transport disease; Menkes Disease; Classic Menkes Disease. Identifiers: Orphanet 565, MedGen C0022716, MONDO:0010651, OMIM 309400.

gnomAD v4.1: 2 of 1,211,323 alleles (0.00017%); highest among the groups gnomAD compares: Admixed American, 0.0022%; no homozygotes.

Submission:

Excellence Center for Genomics and Precision Medicine, King Chulalongkorn Memorial Hospital
Classification: Likely pathogenic for Menkes kinky-hair syndrome. Last evaluated: 2025-10-01. Review status: criteria provided, single submitter. Criteria: ACMG Guidelines, 2015. Collection method: clinical testing. Allele origin: germline. Affected: yes.
Comment: PS2, PP3_moderate, PM2_supporting